The following is an entry in ClinVar:

NM_006767.4(LZTR1):c.510-3C>T

Gene: LZTR1 (leucine zipper like post translational regulator 1; plus strand). Cytogenetic location: 22q11.21.
Variant type: single nucleotide variant.
Coding change: c.510-3C>T on transcript NM_006767.4 (MANE Select); 3 bases into the intron before coding-DNA position 510, C replaced by T.
Molecular consequence: intron variant.
Genome position (GRCh38, 1-based): chr22:20,988,786, C>T. VCF-style: chr22-20988786-C-T. GRCh37 (hg19) VCF-style: chr22-21343075-C-T.
Identifiers: ClinVar variation 2135125 (VCV002135125.4), dbSNP rs1924493930, ClinGen allele CA2396639213.
Genomic context (GRCh38, chr22:20,988,786, plus strand): 5'-GGCTGGGTGGCTCAGGTCTGTGCTGGGCGGCCTCACTCCCTCCCCTCTTCCCTCACACTC[C>T]AGGTTGCCAGTCGCTAGGTCAGCCCATGGGGCCACGGTGTACAGTGACAAGCTGTGGATC-3'

ClinVar aggregate classification (germline): Uncertain significance (1 of 4 stars; one submission).

Allele frequency attached by ClinVar (database versions not stated): TOPMed below 0.00001.

Submission:

Labcorp Genetics (formerly Invitae), Labcorp
Classification: Uncertain significance. Last evaluated: 2025-08-01. Review status: criteria provided, single submitter. Criteria: Invitae Variant Classification Sherloc (09022015). Collection method: clinical testing. Allele origin: germline.
Comment: This sequence change falls in intron 5 of the LZTR1 gene. It does not directly change the encoded amino acid sequence of the LZTR1 protein. It affects a nucleotide within the consensus splice site. This variant is not present in population databases (gnomAD no frequency). This variant has not been reported in the literature in individuals affected with LZTR1-related conditions. ClinVar contains an entry for this variant (Variation ID: 2135125). Variants that disrupt the consensus splice site are a relatively common cause of aberrant splicing (PMID: 17576681, 9536098). Algorithms developed to predict the effect of sequence changes on RNA splicing suggest that this variant is not likely to affect RNA splicing. In summary, the available evidence is currently insufficient to determine the role of this variant in disease. Therefore, it has been classified as a Variant of Uncertain Significance.

Literature cited by the submitters: PubMed 17576681; PubMed 9536098.